The following is an entry in ClinVar:

ClinVar aggregate classification (germline): Likely pathogenic. Review status: criteria provided, multiple submitters, no conflicts (2 of 4 stars). 2 submissions from 2 submitters: Likely pathogenic (2). Last evaluated 2023-08-15.

Conditions:
Cardiomyopathy (CMYO). Also called: Cardiomyopathies. Identifiers: Orphanet 167848, MedGen C0878544, MONDO:0004994, HP:0001638. Inheritance: Various modes of inheritance.
Arrhythmogenic cardiomyopathy with wooly hair and keratoderma. Also called: PALMOPLANTAR KERATODERMA WITH LEFT VENTRICULAR CARDIOMYOPATHY AND WOOLLY HAIR; Dilated cardiomyopathy with woolly hair and keratoderma; Arrhythmogenic cardiomyopathy with woolly hair and keratoderma; Carvajal syndrome. Identifiers: Orphanet 65282, MedGen C1854063, MONDO:0011581, OMIM 605676.

Submissions (2):

All of Us Research Program, National Institutes of Health
Classification: Likely pathogenic for Arrhythmogenic cardiomyopathy with wooly hair and keratoderma. Last evaluated: 2023-08-15. Review status: criteria provided, single submitter. Criteria: ACMG Guidelines, 2015. Collection method: clinical testing. Allele origin: germline. Inheritance: Autosomal dominant inheritance. Observed: 1 variant allele, 1 heterozygote.
Comment: This variant deletes the last three nucleotides in intron 15 splice acceptor site and the first nucleotide of exon 16 (c.2131-3_2131del) of the DSP gene. Splice site prediction tools predict that this variant may have a significant impact on RNA splicing. Although this prediction has not been confirmed in published RNA studies, this variant is expected to result in an absent or disrupted protein product. This variant has not been reported in individuals affected with DSP-related disorders in the literature. This variant has been identified in 1/251240 chromosomes in the general population by the Genome Aggregation Database (gnomAD). A different variant, c.2131-1G>A, that is predicted to impact the same intron 15 splice acceptor site has been reported in individuals affected with arrhythmogenic right ventricular cardiomyopathy (PMID: 21606390, 28527814) and dilated cardiomyopathy (PMID: 25163546). Loss of DSP function is a known mechanism of disease. Based on the available evidence, this variant is classified as Likely Pathogenic.

This study involves interpretation of variants in research participants for the purpose of population health screening. Participant phenotype was not available at the time of variant classification. Additional details can be found in publication PMID: 35346344, PMCID: PMC8962531

Color Diagnostics, LLC DBA Color Health
Classification: Likely pathogenic for Cardiomyopathy. Last evaluated: 2023-06-26. Review status: criteria provided, single submitter. Criteria: ACMG Guidelines, 2015. Collection method: clinical testing. Allele origin: germline.
Comment: This variant deletes the last three nucleotides in intron 15 splice acceptor site and the first nucleotide of exon 16 (c.2131-3_2131del) of the DSP gene. Splice site prediction tools predict that this variant may have a significant impact on RNA splicing. Although this prediction has not been confirmed in published RNA studies, this variant is expected to result in an absent or disrupted protein product. This variant has not been reported in individuals affected with DSP-related disorders in the literature. This variant has been identified in 1/251240 chromosomes in the general population by the Genome Aggregation Database (gnomAD). A different variant, c.2131-1G>A, that is predicted to impact the same intron 15 splice acceptor site has been reported in individuals affected with arrhythmogenic right ventricular cardiomyopathy (PMID: 21606390, 28527814) and dilated cardiomyopathy (PMID: 25163546). Loss of DSP function is a known mechanism of disease. Based on the available evidence, this variant is classified as Likely Pathogenic.

Literature cited by the submitters: PubMed 21606390 (cited by All of Us Research Program, National Institutes of Health and Color Diagnostics, LLC DBA Color Health); PubMed 25163546 (cited by All of Us Research Program, National Institutes of Health and Color Diagnostics, LLC DBA Color Health); PubMed 28527814 (cited by All of Us Research Program, National Institutes of Health and Color Diagnostics, LLC DBA Color Health).

NM_004415.4(DSP):c.2131-3_2131del

Gene: DSP (desmoplakin; plus strand). Cytogenetic location: 6p24.3.
Variant type: Deletion.
Coding change: c.2131-3_2131del on transcript NM_004415.4 (MANE Select); 3 bases into the intron before coding-DNA position 2131 through coding-DNA position 2131, 4 bases deleted (CAGA; older notation c.2131-3_2131delCAGA).
Molecular consequence: splice acceptor variant.
Genome position (GRCh38, 1-based): chr6:7,574,083-7,574,086, CAGA deleted; deleting any 4 consecutive bases within chr6:7,574,081-7,574,086 gives the same sequence; the c. name uses the placement nearest the transcript's 3' end. VCF-style (leftmost placement, unchanged base first): chr6-7574080-TGACA-T. GRCh37 (hg19) VCF-style: chr6-7574313-TGACA-T.
Other names: c.2131-3_2131del (NM_001319034.2, NM_001008844.3).
Identifiers: ClinVar variation 2775279 (VCV002775279.3), dbSNP rs746177210, ClinGen allele CA031967.